The following is an entry in ClinVar:

NM_014236.4(GNPAT):c.743G>C (p.Arg248Pro)

Gene: GNPAT (glyceronephosphate O-acyltransferase; plus strand). Cytogenetic location: 1q42.2.
Variant type: single nucleotide variant.
Coding change: c.743G>C on transcript NM_014236.4 (MANE Select); coding-DNA position 743, G replaced by C.
Protein change: p.Arg248Pro; replaces arginine 248 with proline.
Molecular consequence: missense variant.
Genome position (GRCh38, 1-based): chr1:231,265,758, G>C. VCF-style: chr1-231265758-G-C. GRCh37 (hg19) VCF-style: chr1-231401504-G-C.
Other names: c.560G>C, p.Arg187Pro (NM_001316350.2); short protein forms R187P, R248P.
Identifiers: ClinVar variation 4744053 (VCV004744053.1).

ClinVar aggregate classification (germline): Uncertain significance (1 of 4 stars; one submission).

Submission:

Labcorp Genetics (formerly Invitae), Labcorp
Classification: Uncertain significance. Last evaluated: 2025-11-27. Review status: criteria provided, single submitter. Criteria: Invitae Variant Classification Sherloc (09022015). Collection method: clinical testing. Allele origin: germline.
Comment: This sequence change replaces arginine, which is basic and polar, with proline, which is neutral and non-polar, at codon 248 of the GNPAT protein (p.Arg248Pro). This variant is not present in population databases (gnomAD no frequency). This variant has not been reported in the literature in individuals affected with GNPAT-related conditions. Invitae Evidence Modeling of protein sequence and biophysical properties (such as structural, functional, and spatial information, amino acid conservation, physicochemical variation, residue mobility, and thermodynamic stability) indicates that this missense variant is expected to disrupt GNPAT protein function with a positive predictive value of 80%. In summary, the available evidence is currently insufficient to determine the role of this variant in disease. Therefore, it has been classified as a Variant of Uncertain Significance.